The following is an entry in ClinVar:

NM_000548.5(TSC2):c.3285-9T>A

Gene: TSC2 (TSC complex subunit 2; plus strand). Cytogenetic location: 16p13.3.
Variant type: single nucleotide variant.
Coding change: c.3285-9T>A on transcript NM_000548.5 (MANE Select); 9 bases into the intron before coding-DNA position 3285, T replaced by A.
Molecular consequence: intron variant.
Genome position (GRCh38, 1-based): chr16:2,079,548, T>A. VCF-style: chr16-2079548-T-A. GRCh37 (hg19) VCF-style: chr16-2129549-T-A.
Other names: c.1812-9T>A (NM_001406693.1, NM_001406690.1, NM_001406692.1 and 1 more transcripts); c.3246-9T>A (NM_001406667.1); c.3243-9T>A (NM_001406668.1); c.2685-9T>A (NM_001406680.1, NM_001406683.1, NM_001406682.1); c.2553-9T>A (NM_001406687.1, NM_001318831.2, NM_001406688.1); c.1941-9T>A (NM_001406689.1); c.1809-9T>A (NM_001406691.1, NM_001406697.1, NM_001406695.1 and 1 more transcripts); c.1551-9T>A (NM_001406698.1); and 18 more.
Identifiers: ClinVar variation 4757766 (VCV004757766.1).
Genomic context (GRCh38, chr16:2,079,548, plus strand): 5'-AGGCCCACGTGGCACCCTCGTACCAGCCTGGGGACTAAGTCCACCCTGTGCGTGGGATTC[T>A]CTTCTCAGCTCCAGCCCCGGGGTGCATGTGAGACAGACCAAGGAGGCGCCGGCCAAGCTG-3'

ClinVar aggregate classification (germline): Uncertain significance (1 of 4 stars; one submission).

Conditions:
Tuberous sclerosis syndrome (TSC). Also called: Tuberous Sclerosis Complex; Tuberous sclerosis. Identifiers: Orphanet 805, MedGen C0041341, MONDO:0001734.

Submission:

Color Diagnostics, LLC DBA Color Health
Classification: Uncertain significance for Tuberous sclerosis syndrome. Last evaluated: 2025-07-23. Review status: criteria provided, single submitter. Criteria: ACMG Guidelines, 2015. Collection method: clinical testing. Allele origin: germline.
Comment: This variant causes a T to A nucleotide substitution at the -9 position of intron 28 of the TSC2 gene. Splice prediction tools suggest that this variant may disrupt RNA splicing. To our knowledge, RNA studies have not been reported for this variant. This variant has not been reported in individuals affected with TSC2-related disorders in the literature. This variant has not been identified in the general population by the Genome Aggregation Database (gnomAD). The available evidence is insufficient to determine the role of this variant in disease conclusively. Therefore, this variant is classified as a Variant of Uncertain Significance.